The following is an entry in ClinVar:

NM_002711.4(PPP1R3A):c.2990T>C (p.Phe997Ser)

Gene: PPP1R3A (protein phosphatase 1 regulatory subunit 3A; minus strand). Cytogenetic location: 7q31.1.
Variant type: single nucleotide variant.
Coding change: c.2990T>C on transcript NM_002711.4 (MANE Select); coding-DNA position 2990, T replaced by C.
Protein change: p.Phe997Ser; replaces phenylalanine 997 with serine.
Molecular consequence: missense variant.
Genome position (GRCh38, 1-based): chr7:113,878,102, A>G on the plus strand (T>C on the coding strand, the complement: PPP1R3A is on the minus strand). VCF-style: chr7-113878102-A-G. GRCh37 (hg19) VCF-style: chr7-113518157-A-G.
Other names: short protein forms F997S.
Identifiers: ClinVar variation 549517 (VCV000549517.2), dbSNP rs35572169, ClinGen allele CA369098821.

ClinVar aggregate classification (germline): Uncertain significance (1 of 4 stars; one submission).

Conditions:
Monogenic diabetes. Identifiers: Orphanet 183625, MedGen C3888631, MONDO:0015967.

Submission:

Personalized Diabetes Medicine Program, University of Maryland School of Medicine
Classification: Uncertain significance for Monogenic diabetes. Last evaluated: 2017-09-22. Review status: criteria provided, single submitter. Criteria: ACMG Guidelines, 2015. Collection method: research. Allele origin: unknown. Observed: 1 variant allele, 1 heterozygote. Study: Personalized Diabetes Medicine Program.
Comment: ACMG Criteria:BP4 (10 predictors), PM2, (same codon differenct change p.Phe997Cis has been reported in 0.2% of Europeans)